The following is an entry in ClinVar:

ClinVar aggregate classification (germline): Uncertain significance. Review status: criteria provided, multiple submitters, no conflicts (2 of 4 stars). 2 submissions from 2 submitters: Uncertain significance (2). Last evaluated 2024-04-15.

Conditions:
Isolated focal cortical dysplasia type II (FCORD2). Also called: CORTICAL DYSPLASIA OF TAYLOR; Focal cortical dysplasia type II. Identifiers: Orphanet 268994, MedGen C1846385, MONDO:0011818, OMIM 607341, HP:0032051.
Lymphangiomyomatosis (LAM). Also called: Lymphangioleiomyomatosis; Lymphangioleiomyomatosis, somatic. Identifiers: Orphanet 538, MedGen C0751674, MONDO:0011705, OMIM 606690.
Tuberous sclerosis 2 (TSC2). Identifiers: Orphanet 805, MedGen C1860707, MONDO:0013199, OMIM 613254.
Hereditary cancer-predisposing syndrome. Also called: Neoplastic Syndromes, Hereditary; Tumor predisposition; Hereditary Cancer Syndrome; Hereditary neoplastic syndrome. Identifiers: Orphanet 140162, MedGen C0027672, MeSH D009386, MONDO:0015356.

Submissions (2):

Fulgent Genetics
Classification: Uncertain significance for Lymphangiomyomatosis; Isolated focal cortical dysplasia type II; Tuberous sclerosis 2. Last evaluated: 2024-04-15. Review status: criteria provided, single submitter. Criteria: ACMG Guidelines, 2015. Collection method: clinical testing. Allele origin: germline.

Ambry Genetics
Classification: Uncertain significance for Hereditary cancer-predisposing syndrome. Last evaluated: 2020-09-24. Review status: criteria provided, single submitter. Criteria: Ambry Variant Classification Scheme 2023. Collection method: clinical testing. Allele origin: germline.
Comment: The p.D1512E variant (also known as c.4536C>A), located in coding exon 34 of the TSC2 gene, results from a C to A substitution at nucleotide position 4536. The aspartic acid at codon 1512 is replaced by glutamic acid, an amino acid with highly similar properties. This amino acid position is not well conserved in available vertebrate species. In addition, the in silico prediction for this alteration is inconclusive. Since supporting evidence is limited at this time, the clinical significance of this alteration remains unclear.

NM_000548.5(TSC2):c.4536C>A (p.Asp1512Glu)

Gene: TSC2 (TSC complex subunit 2; plus strand). Cytogenetic location: 16p13.3.
Variant type: single nucleotide variant.
Coding change: c.4536C>A on transcript NM_000548.5 (MANE Select); coding-DNA position 4536, C replaced by A.
Protein change: p.Asp1512Glu; replaces aspartic acid 1512 with glutamic acid.
Molecular consequence: missense variant.
Genome position (GRCh38, 1-based): chr16:2,084,993, C>A. VCF-style: chr16-2084993-C-A. GRCh37 (hg19) VCF-style: chr16-2134994-C-A.
Other names: c.4335C>A, p.Asp1445Glu (NM_001077183.3); c.4467C>A, p.Asp1489Glu (NM_001114382.3); c.4227C>A, p.Asp1409Glu (NM_001318827.2); c.4191C>A, p.Asp1397Glu (NM_001318829.2); c.3804C>A, p.Asp1268Glu (NM_001318831.2); c.4368C>A, p.Asp1456Glu (NM_001318832.2); c.4338C>A, p.Asp1446Glu (NM_001363528.2); c.4404C>A, p.Asp1468Glu (NM_001370404.1); and 26 more; short protein forms D1020E, D1289E, D1397E, D1408E, D1441E, D1445E, D1475E, D1489E.
Identifiers: ClinVar variation 1741301 (VCV001741301.3), dbSNP rs35986575, ClinGen allele CA394302899.